The following is an entry in ClinVar:

ClinVar aggregate classification (germline): Benign/Likely benign. Review status: criteria provided, multiple submitters, no conflicts (2 of 4 stars). 7 submissions from 6 submitters: Benign (2); Likely benign (4). 1 of the submissions does not count toward it. Last evaluated 2026-01-01.

Conditions:
LARGE1-related disorder. Also called: LARGE1-related condition.
Muscular dystrophy-dystroglycanopathy type B6 (MDDGB6). Also called: MUSCULAR DYSTROPHY-DYSTROGLYCANOPATHY (CONGENITAL WITH IMPAIRED INTELLECTUAL DEVELOPMENT), TYPE B, 6; MUSCULAR DYSTROPHY, CONGENITAL, LARGE-RELATED; MUSCULAR DYSTROPHY, CONGENITAL, TYPE 1D. Identifiers: MedGen C1837229, MONDO:0012138, OMIM 608840.
Muscular dystrophy-dystroglycanopathy (congenital with brain and eye anomalies), type A6. Also called: MUSCULAR DYSTROPHY-DYSTROGLYCANOPATHY (CONGENITAL WITH BRAIN AND EYE ANOMALIES), TYPE A, 6; WALKER-WARBURG SYNDROME OR MUSCLE-EYE-BRAIN DISEASE, LARGE-RELATED. Identifiers: Orphanet 588, Orphanet 899, MedGen C3150414, MONDO:0013158, OMIM 613154.

Allele frequency attached by ClinVar (database versions not stated): gnomAD below 0.00001 and 0.00021; TOPMed 0.00005; gnomAD exomes 0.00043 and 0.00081; ExAC 0.00086; 1000 Genomes Project 30x 0.00156; 1000 Genomes Project 0.00160.
gnomAD v4.1: 657 of 1,614,166 alleles (0.041%); highest among the groups gnomAD compares: South Asian, 0.68%; 5 homozygotes.

Submissions (7):

Labcorp Genetics (formerly Invitae), Labcorp
Classification: Benign for Muscular dystrophy-dystroglycanopathy type B6. Last evaluated: 2026-01-01. Review status: criteria provided, single submitter. Criteria: Invitae Variant Classification Sherloc (09022015). Collection method: clinical testing. Allele origin: germline.

CeGaT Center for Human Genetics Tuebingen
Classification: Likely benign. Last evaluated: 2025-04-01. Review status: criteria provided, single submitter. Criteria: CeGaT Center For Human Genetics Tuebingen Variant Classification Criteria Version 2. Collection method: clinical testing. Allele origin: germline. Affected: yes. Observed: 1 variant allele.
Comment: LARGE1: BP4

GeneDx
Classification: Benign. Last evaluated: 2020-10-21. Review status: criteria provided, single submitter. Criteria: GeneDx Variant Classification Process June 2021. Collection method: clinical testing. Allele origin: germline. Affected: yes.

Illumina Laboratory Services, Illumina
Classification: Likely benign for Muscular dystrophy-dystroglycanopathy type B6. Last evaluated: 2018-01-13. Review status: criteria provided, single submitter. Criteria: ICSL Variant Classification Criteria 13 December 2019. Collection method: clinical testing. Allele origin: germline.
Comment: This variant was observed in the ICSL laboratory as part of a predisposition screen in an ostensibly healthy population. It had not been previously curated by ICSL or reported in the Human Gene Mutation Database (HGMD: prior to June 1st, 2018), and was therefore a candidate for classification through an automated scoring system. Utilizing variant allele frequency, disease prevalence and penetrance estimates, and inheritance mode, an automated score was calculated to assess if this variant is too frequent to cause the disease. Based on the score and internal cut-off values, a variant classified as likely benign is not then subjected to further curation. The score for this variant resulted in a classification of likely benign for this disease.

Illumina Laboratory Services, Illumina
Classification: Likely benign for Muscular dystrophy-dystroglycanopathy (congenital with brain and eye anomalies), type A6. Last evaluated: 2018-01-13. Review status: criteria provided, single submitter. Criteria: ICSL Variant Classification Criteria 13 December 2019. Collection method: clinical testing. Allele origin: germline.
Comment: the same text as in the submission from Illumina Laboratory Services, Illumina above.

Eurofins Ntd Llc (ga)
Classification: Likely benign. Last evaluated: 2015-09-30. Review status: criteria provided, single submitter. Criteria: EGL Classification Definitions 2015. Collection method: clinical testing. Allele origin: germline. Observed: 1 variant allele, 1 heterozygote.

PreventionGenetics, part of Exact Sciences
Classification: Likely benign for LARGE1-related condition. Last evaluated: 2019-11-14. Review status: no assertion criteria provided. Collection method: clinical testing. Allele origin: germline. Not counted in ClinVar's aggregate classification.
Comment: This variant is classified as likely benign based on ACMG/AMP sequence variant interpretation guidelines (Richards et al. 2015 PMID: 25741868, with internal and published modifications).

NM_133642.5(LARGE1):c.1776G>T (p.Met592Ile)

Gene: LARGE1 (LARGE xylosyl- and glucuronyltransferase 1; minus strand). Cytogenetic location: 22q12.3.
Variant type: single nucleotide variant.
Coding change: c.1776G>T on transcript NM_133642.5 (MANE Select); coding-DNA position 1776, G replaced by T.
Protein change: p.Met592Ile; replaces methionine 592 with isoleucine.
Molecular consequence: missense variant. On other transcripts: intron variant (3).
Genome position (GRCh38, 1-based): chr22:33,283,303, C>A on the plus strand (G>T on the coding strand, the complement: LARGE1 is on the minus strand). VCF-style: chr22-33283303-C-A. GRCh37 (hg19) VCF-style: chr22-33679289-C-A.
Other names: c.1776G>T (NM_004737.5); c.1776G>T, p.Met592Ile (NM_001362949.2, NM_001362951.2, NM_001362953.2 and 4 more transcripts); c.1620G>T, p.Met540Ile (NM_001378629.1); c.1173G>T, p.Met391Ile (NM_001378630.1); c.1731-6048G>T (NM_001378627.1, NM_001378628.1); c.972-6048G>T (NM_001378631.1); short protein forms M592I, M391I, M540I.
Identifiers: ClinVar variation 283538 (VCV000283538.31), dbSNP rs576967464, ClinGen allele CA10202649.